The following is an entry in ClinVar:

ClinVar aggregate classification (germline): Pathogenic/Pathogenic, low penetrance. Review status: criteria provided, multiple submitters, no conflicts (2 of 4 stars). 7 submissions from 7 submitters: Pathogenic (6); Pathogenic, low penetrance (1). Last evaluated 2026-02-06.

Conditions:
Factor I deficiency (CFID). Also called: Complement factor I deficiency. Identifiers: Orphanet 200418, MedGen C3463916, MONDO:0012594, OMIM 610984.
Atypical hemolytic-uremic syndrome. Identifiers: Orphanet 2134, MedGen C2931788, MONDO:0016244.
Atypical hemolytic-uremic syndrome with I factor anomaly. Also called: AHUS, SUSCEPTIBILITY TO, 3; HEMOLYTIC UREMIC SYNDROME, ATYPICAL, SUSCEPTIBILITY TO, 3. Identifiers: Orphanet 2134, MedGen C2752039, MONDO:0013041, OMIM 612923.
Age related macular degeneration 13. Identifiers: MedGen C3809523, MONDO:0014189, OMIM 615439.
CFI-related disorder. Also called: CFI-related condition; CFI-related disorders. Identifiers: MedGen CN239325.

Allele frequency attached by ClinVar (database versions not stated): gnomAD exomes below 0.00001; TOPMed 0.00001; gnomAD 0.00003.

Submissions (7):

Women's Health and Genetics/Laboratory Corporation of America, LabCorp
Classification: Pathogenic for Factor I deficiency. Last evaluated: 2026-02-06. Review status: criteria provided, single submitter. Criteria: LabCorp Variant Classification Summary - May 2015. Collection method: clinical testing. Allele origin: germline.
Comment: Variant summary: CFI c.80_81delAT (p.Asp27AlafsX18) results in a premature termination codon, predicted to cause a truncation of the encoded protein or absence of the protein due to nonsense mediated decay, which are commonly known mechanisms for disease. The variant allele was found at a frequency of 4e-06 in 251194 control chromosomes. c.80_81delAT has been observed in individual(s) affected with Factor I deficiency (Alba-Dominguez_2012). To our knowledge, no experimental evidence demonstrating an impact on protein function has been reported. The following publication has been ascertained in the context of this evaluation (PMID: 22710145). ClinVar contains an entry for this variant (Variation ID: 286534). Based on the evidence outlined above, the variant was classified as pathogenic for autosomal recessive complement factor I deficiency and autosomal dominant atypical hemolytic uremic syndrome.

Genomenon, Inc
Classification: Pathogenic, low penetrance for CFI-related disorder. Last evaluated: 2025-09-26. Review status: criteria provided, single submitter. Criteria: Genomenon Sequence Variant Interpretation Standards - Updated. Collection method: curation. Allele origin: germline. Affected: yes.
Comment: CFI p.Asp27AlafsTer18 (c.80_81del) is a frameshift variant that results in the production of a truncated protein that may be subject to nonsense-mediated mRNA decay. This variant has been observed in at least one proband affected with complement factor I deficiency (PMID:22710145). It is absent or not present at a significant frequency in gnomAD. In conclusion, we classify CFI p.Asp27AlafsTer18 (c.80_81del) as a pathogenic, low penetrance variant.

Labcorp Genetics (formerly Invitae), Labcorp
Classification: Pathogenic. Last evaluated: 2025-09-10. Review status: criteria provided, single submitter. Criteria: Invitae Variant Classification Sherloc (09022015). Collection method: clinical testing. Allele origin: germline.
Comment: This sequence change creates a premature translational stop signal (p.Asp27Alafs*18) in the CFI gene. It is expected to result in an absent or disrupted protein product. Loss-of-function variants in CFI are known to be pathogenic (PMID: 15917334, 16621965, 19065647, 20016463, 22710145). This variant is present in population databases (no rsID available, gnomAD 0.003%). This premature translational stop signal has been observed in individual(s) with complement factor I deficiency (PMID: 22710145). ClinVar contains an entry for this variant (Variation ID: 286534). For these reasons, this variant has been classified as Pathogenic.

Mayo Clinic Laboratories, Mayo Clinic
Classification: Pathogenic. Last evaluated: 2024-06-21. Review status: criteria provided, single submitter. Criteria: ACMG Guidelines, 2015. Collection method: clinical testing. Allele origin: germline. Observed: 1 variant allele.
Comment: PM2, PM3, PVS1

Fulgent Genetics
Classification: Pathogenic for Factor I deficiency; Atypical hemolytic-uremic syndrome with I factor anomaly; Age related macular degeneration 13. Last evaluated: 2022-02-24. Review status: criteria provided, single submitter. Criteria: ACMG Guidelines, 2015. Collection method: clinical testing. Allele origin: unknown.

Genome Diagnostics Laboratory, The Hospital for Sick Children
Classification: Pathogenic for Atypical hemolytic-uremic syndrome. Last evaluated: 2021-06-23. Review status: criteria provided, single submitter. Criteria: ACMG Guidelines, 2015. Collection method: clinical testing. Allele origin: germline.

Eurofins Ntd Llc (ga)
Classification: Pathogenic. Last evaluated: 2016-03-02. Review status: criteria provided, single submitter. Criteria: EGL Classification Definitions 2015. Collection method: clinical testing. Allele origin: germline. Observed: 1 variant allele, 1 heterozygote.

Literature cited by the submitters: PubMed 22710145 (cited by 4 submitters); PubMed 15917334 (cited by Labcorp Genetics (formerly Invitae), Labcorp); PubMed 16621965 (cited by Labcorp Genetics (formerly Invitae), Labcorp); PubMed 19065647 (cited by Labcorp Genetics (formerly Invitae), Labcorp); PubMed 20016463 (cited by Labcorp Genetics (formerly Invitae), Labcorp).

NM_000204.5(CFI):c.80_81del (p.Asp27fs)

Gene: CFI (complement factor I; minus strand). Cytogenetic location: 4q25.
Variant type: Deletion.
Coding change: c.80_81del on transcript NM_000204.5 (MANE Select); coding-DNA positions 80 to 81, 2 bases deleted (AT; older notation c.80_81delAT).
Protein change: p.Asp27fs; shifts the reading frame from aspartic acid 27.
Molecular consequence: frameshift variant. On other transcripts: non-coding transcript variant (3), intron variant (1).
Genome position (GRCh38, 1-based): chr4:109,766,801-109,766,802, AT deleted on the plus strand (AT on the coding strand, the reverse complement: CFI is on the minus strand). VCF-style (leftmost placement, unchanged base first): chr4-109766800-GAT-G. GRCh37 (hg19) VCF-style: chr4-110687956-GAT-G.
Other names: p.Asp27Alafs*18; c.80_81delAT (NM_000204.5, NM_000204.4); c.80_81del, p.Asp27fs (NM_001318057.2, NM_001331035.2, NM_001375278.1 and 5 more transcripts); c.-127-5110_-127-5109del (NM_001375284.1); short protein forms D27fs.
Identifiers: ClinVar variation 286534 (VCV000286534.18), dbSNP rs886043418, ClinGen allele CA10605496.